The following is an entry in ClinVar:

NM_005263.5(GFI1):c.50A>G (p.Gln17Arg)

Gene: GFI1 (growth factor independent 1 transcriptional repressor; minus strand). Cytogenetic location: 1p22.1.
Variant type: single nucleotide variant.
Coding change: c.50A>G on transcript NM_005263.5 (MANE Select); coding-DNA position 50, A replaced by G.
Protein change: p.Gln17Arg; replaces glutamine 17 with arginine.
Molecular consequence: missense variant.
Genome position (GRCh38, 1-based): chr1:92,483,438, T>C on the plus strand (A>G on the coding strand, the complement: GFI1 is on the minus strand). VCF-style: chr1-92483438-T-C. GRCh37 (hg19) VCF-style: chr1-92948995-T-C.
Other names: c.50A>G, p.Gln17Arg (NM_001127215.3, NM_001127216.3); short protein forms Q17R.
Identifiers: ClinVar variation 4029360 (VCV004029360.1).
Genomic context (GRCh38, chr1:92,483,438, plus strand): 5'-CGGCTAGGCGCCGGTACATTCTCTAAACGGAGGGAATAGTCTGGTCCTGGGGAGCGCGGC[T>C]GGTGGTAGCTGTGAGCCTTCTTGCTTTTGACGAGAAATGAGCGCGGCATGGTGGTCCGGC-3'
Protein context (NP_005254.2, residues 7-27): VKSKKAHSYH[Gln17Arg]PRSPGPDYSL

ClinVar aggregate classification (germline): Uncertain significance (1 of 4 stars; one submission).

Submission:

Ambry Genetics
Classification: Uncertain significance. Last evaluated: 2025-03-15. Review status: criteria provided, single submitter. Criteria: Ambry Variant Classification Scheme 2023. Collection method: clinical testing. Allele origin: germline.
Comment: The p.Q17R variant (also known as c.50A>G), located in coding exon 1 of the GFI1 gene, results from an A to G substitution at nucleotide position 50. The glutamine at codon 17 is replaced by arginine, an amino acid with highly similar properties. This amino acid position is conserved. In addition, the in silico prediction for this alteration is inconclusive. Based on the available evidence, the clinical significance of this variant remains unclear.